The following is an entry in ClinVar:

ClinVar aggregate classification (germline): Uncertain significance (1 of 4 stars; one submission).

Allele frequency attached by ClinVar (database versions not stated): gnomAD exomes below 0.00001; ExAC 0.00001; gnomAD 0.00001; TOPMed 0.00003.
gnomAD v4.1: 6 of 1,608,372 alleles (0.00037%); highest among the groups gnomAD compares: Admixed American, 0.0033%; no homozygotes.

Submission:

Labcorp Genetics (formerly Invitae), Labcorp
Classification: Uncertain significance. Last evaluated: 2024-03-04. Review status: criteria provided, single submitter. Criteria: Invitae Variant Classification Sherloc (09022015). Collection method: clinical testing. Allele origin: germline.
Comment: This sequence change replaces cysteine, which is neutral and slightly polar, with tyrosine, which is neutral and polar, at codon 318 of the LIPI protein (p.Cys318Tyr). This variant is present in population databases (rs764081969, gnomAD 0.009%). This variant has not been reported in the literature in individuals affected with LIPI-related conditions. ClinVar contains an entry for this variant (Variation ID: 1941878). An algorithm developed to predict the effect of missense changes on protein structure and function (PolyPhen-2) suggests that this variant is likely to be disruptive. In summary, the available evidence is currently insufficient to determine the role of this variant in disease. Therefore, it has been classified as a Variant of Uncertain Significance.

NM_001302998.2(LIPI):c.890G>A (p.Cys297Tyr)

Gene: LIPI (lipase I; minus strand). Cytogenetic location: 21q11.2.
Variant type: single nucleotide variant.
Coding change: c.890G>A on transcript NM_001302998.2 (MANE Select); coding-DNA position 890, G replaced by A.
Protein change: p.Cys297Tyr; replaces cysteine 297 with tyrosine.
Molecular consequence: missense variant.
Genome position (GRCh38, 1-based): chr21:14,165,234, C>T on the plus strand (G>A on the coding strand, the complement: LIPI is on the minus strand). VCF-style: chr21-14165234-C-T. GRCh37 (hg19) VCF-style: chr21-15537555-C-T.
Other names: c.800G>A, p.Cys267Tyr (NM_001302999.2); c.890G>A, p.Cys297Tyr (NM_001303000.2, NM_001303001.2); c.785G>A, p.Cys262Tyr (NM_001379565.1); c.395G>A, p.Cys132Tyr (NM_001379566.1); c.755G>A, p.Cys252Tyr (NM_198996.4); short protein forms C132Y, C252Y, C262Y, C267Y, C297Y.
Identifiers: ClinVar variation 1941878 (VCV001941878.5), dbSNP rs764081969, ClinGen allele CA9979502.